The following is an entry in ClinVar:

ClinVar aggregate classification (germline): Uncertain significance (1 of 4 stars; one submission).

Conditions:
ANKRD1-related dilated cardiomyopathy. Identifiers: MedGen CN119551.

Submission:

Labcorp Genetics (formerly Invitae), Labcorp
Classification: Uncertain significance for ANKRD1-related dilated cardiomyopathy. Last evaluated: 2023-05-01. Review status: criteria provided, single submitter. Criteria: Invitae Variant Classification Sherloc (09022015). Collection method: clinical testing. Allele origin: germline.
Comment: This variant is not present in population databases (gnomAD no frequency). This sequence change replaces cysteine, which is neutral and slightly polar, with phenylalanine, which is neutral and non-polar, at codon 149 of the ANKRD1 protein (p.Cys149Phe). This variant has not been reported in the literature in individuals affected with ANKRD1-related conditions. In summary, the available evidence is currently insufficient to determine the role of this variant in disease. Therefore, it has been classified as a Variant of Uncertain Significance. Advanced modeling of protein sequence and biophysical properties (such as structural, functional, and spatial information, amino acid conservation, physicochemical variation, residue mobility, and thermodynamic stability) performed at Invitae indicates that this missense variant is not expected to disrupt ANKRD1 protein function.

NM_014391.3(ANKRD1):c.446G>T (p.Cys149Phe)

Gene: ANKRD1 (ankyrin repeat domain 1; minus strand). Cytogenetic location: 10q23.31.
Variant type: single nucleotide variant.
Coding change: c.446G>T on transcript NM_014391.3 (MANE Select); coding-DNA position 446, G replaced by T.
Protein change: p.Cys149Phe; replaces cysteine 149 with phenylalanine.
Molecular consequence: missense variant.
Genome position (GRCh38, 1-based): chr10:90,918,872, C>A on the plus strand (G>T on the coding strand, the complement: ANKRD1 is on the minus strand). VCF-style: chr10-90918872-C-A. GRCh37 (hg19) VCF-style: chr10-92678629-C-A.
Other names: short protein forms C149F.
Identifiers: ClinVar variation 2861146 (VCV002861146.3), dbSNP rs2492960055, ClinGen allele CA377552039.